The following is an entry in ClinVar:

ClinVar aggregate classification (germline): Uncertain significance (1 of 4 stars; one submission).

Allele frequency attached by ClinVar (database versions not stated): ExAC 0.00001; gnomAD exomes 0.00001.
gnomAD v4.1: 5 of 1,612,552 alleles (0.00031%); highest among the groups gnomAD compares: Admixed American, 0.005%; no homozygotes.

Submission:

Labcorp Genetics (formerly Invitae), Labcorp
Classification: Uncertain significance. Last evaluated: 2021-12-24. Review status: criteria provided, single submitter. Criteria: Invitae Variant Classification Sherloc (09022015). Collection method: clinical testing. Allele origin: germline.
Comment: This sequence change falls in intron 7 of the ATF6 gene. It does not directly change the encoded amino acid sequence of the ATF6 protein. It affects a nucleotide within the consensus splice site. This variant is present in population databases (rs760415492, gnomAD 0.009%). This variant has not been reported in the literature in individuals affected with ATF6-related conditions. Variants that disrupt the consensus splice site are a relatively common cause of aberrant splicing (PMID: 17576681, 9536098). Algorithms developed to predict the effect of sequence changes on RNA splicing suggest that this variant may disrupt the consensus splice site. In summary, the available evidence is currently insufficient to determine the role of this variant in disease. Therefore, it has been classified as a Variant of Uncertain Significance.

Literature cited by the submitters: PubMed 17576681; PubMed 9536098.

NM_007348.4(ATF6):c.909+5G>A

Gene: ATF6 (activating transcription factor 6; plus strand). Cytogenetic location: 1q23.3.
Variant type: single nucleotide variant.
Coding change: c.909+5G>A on transcript NM_007348.4 (MANE Select); 5 bases into the intron after coding-DNA position 909, G replaced by A.
Molecular consequence: intron variant.
Genome position (GRCh38, 1-based): chr1:161,802,277, G>A. VCF-style: chr1-161802277-G-A. GRCh37 (hg19) VCF-style: chr1-161772067-G-A.
Identifiers: ClinVar variation 2057129 (VCV002057129.4), dbSNP rs760415492, ClinGen allele CA1214311.